The following is an entry in ClinVar:

NM_000426.4(LAMA2):c.1087A>C (p.Asn363His)

Gene: LAMA2 (laminin subunit alpha 2; plus strand). Cytogenetic location: 6q22.33.
Variant type: single nucleotide variant.
Coding change: c.1087A>C on transcript NM_000426.4 (MANE Select); coding-DNA position 1087, A replaced by C.
Protein change: p.Asn363His; replaces asparagine 363 with histidine.
Molecular consequence: missense variant.
Genome position (GRCh38, 1-based): chr6:129,154,564, A>C. VCF-style: chr6-129154564-A-C. GRCh37 (hg19) VCF-style: chr6-129475709-A-C.
Other names: c.1087A>C, p.Asn363His (NM_001079823.2); short protein forms N363H.
Identifiers: ClinVar variation 1521304 (VCV001521304.3), dbSNP rs2114976305, ClinGen allele CA365606891.

ClinVar aggregate classification (germline): Uncertain significance (1 of 4 stars; one submission).

Conditions:
LAMA2-related muscular dystrophy (LAMA2-RD). Also called: Laminin alpha 2-related dystrophy. Identifiers: MedGen C5679788, MONDO:0100228.

Allele frequency attached by ClinVar (database versions not stated): gnomAD exomes below 0.00001; gnomAD 0.00001.

Submission:

Labcorp Genetics (formerly Invitae), Labcorp
Classification: Uncertain significance for LAMA2-related muscular dystrophy. Last evaluated: 2021-12-02. Review status: criteria provided, single submitter. Criteria: Invitae Variant Classification Sherloc (09022015). Collection method: clinical testing. Allele origin: germline.
Comment: This sequence change replaces asparagine, which is neutral and polar, with histidine, which is basic and polar, at codon 363 of the LAMA2 protein (p.Asn363His). This variant is not present in population databases (gnomAD no frequency). This variant has not been reported in the literature in individuals affected with LAMA2-related conditions. Advanced modeling of protein sequence and biophysical properties (such as structural, functional, and spatial information, amino acid conservation, physicochemical variation, residue mobility, and thermodynamic stability) performed at Invitae indicates that this missense variant is not expected to disrupt LAMA2 protein function. In summary, the available evidence is currently insufficient to determine the role of this variant in disease. Therefore, it has been classified as a Variant of Uncertain Significance.